The following is an entry in ClinVar:

ClinVar aggregate classification (germline): Benign/Likely benign. Review status: criteria provided, multiple submitters, no conflicts (2 of 4 stars). 14 submissions from 13 submitters: Benign (9); Likely benign (1). 4 of the submissions do not count toward it. Last evaluated 2026-02-04.

Conditions:
HYPERHOMOCYSTEINEMIA, THROMBOTIC, CBS-RELATED. Identifiers: MedGen C3150344, OMIM 236200.
CBS POLYMORPHISM.
Congenital myopathy. Identifiers: Orphanet 97245, MedGen C0270960, MONDO:0019952.
Classic homocystinuria. Also called: HOMOCYSTINURIA WITH OR WITHOUT RESPONSE TO PYRIDOXINE; Homocystinuria due to Cystathionine Beta-Synthase Deficiency; Homocystinuria due to CBS deficiency; Cystathionine beta-synthase deficiency; CBS deficiency. Identifiers: Orphanet 394, MedGen C0751202, MONDO:0009352, OMIM 236200.
Familial thoracic aortic aneurysm and aortic dissection (TAAD). Also called: Thoracic aortic aneurysms and dissections. Identifiers: Orphanet 91387, MedGen C4707243, MONDO:0019625.
Intellectual disability. Also called: Intellectual developmental disorder; Intellectual functioning disability; intellectual disabilities. Identifiers: MedGen C3714756, MeSH D008607, MONDO:0001071, HP:0001249.

Submissions (14):

Labcorp Genetics (formerly Invitae), Labcorp
Classification: Benign for HYPERHOMOCYSTEINEMIA, THROMBOTIC, CBS-RELATED. Last evaluated: 2026-02-04. Review status: criteria provided, single submitter. Criteria: Invitae Variant Classification Sherloc (09022015). Collection method: clinical testing. Allele origin: germline.

ARUP Laboratories, Molecular Genetics and Genomics, ARUP Laboratories
Classification: Benign. Last evaluated: 2025-07-21. Review status: criteria provided, single submitter. Criteria: ARUP Molecular Germline Variant Investigation Process 2024. Collection method: clinical testing. Allele origin: germline.

Blueprint Genetics
Classification: Benign. Last evaluated: 2024-11-28. Review status: criteria provided, single submitter. Criteria: ACMG Guidelines, 2015. Collection method: clinical testing. Allele origin: germline.

Ambry Genetics
Classification: Benign for Familial thoracic aortic aneurysm and aortic dissection. Last evaluated: 2021-11-29. Review status: criteria provided, single submitter. Criteria: Ambry Variant Classification Scheme 2023. Collection method: clinical testing. Allele origin: germline.

Mendelics
Classification: Likely benign for Classic homocystinuria. Last evaluated: 2019-05-28. Review status: criteria provided, single submitter. Criteria: Mendelics Assertion Criteria 2017. Collection method: clinical testing. Allele origin: unknown.

Cambridge Genomics Laboratory, East Genomic Laboratory Hub, NHS Genomic Medicine Service
Classification: Benign for Congenital myopathy. Last evaluated: 2019-04-17. Review status: criteria provided, single submitter. Criteria: ACGS Best Practice Guidelines for Variant Classification in Rare Disease 2020. Collection method: clinical testing. Allele origin: germline. Affected: yes. Observed: 1 variant allele.

Cambridge Genomics Laboratory, East Genomic Laboratory Hub, NHS Genomic Medicine Service
Classification: Benign for Intellectual disability. Last evaluated: 2019-04-17. Review status: criteria provided, single submitter. Criteria: ACGS Best Practice Guidelines for Variant Classification in Rare Disease 2020. Collection method: clinical testing. Allele origin: germline. Affected: yes. Observed: 1 variant allele.

GeneDx
Classification: Benign. Last evaluated: 2018-07-11. Review status: criteria provided, single submitter. Criteria: GeneDx Variant Classification Process June 2021. Collection method: clinical testing. Allele origin: germline. Affected: yes.
Comment: This variant is associated with the following publications: (PMID: 10363126, 22002135, 17072863, 14722927, 7762555, 20601281, 8940271, 9813456, 19906435, 8940285, 11204591)

Mayo Clinic Laboratories, Mayo Clinic
Classification: Benign. Last evaluated: 2018-06-14. Review status: criteria provided, single submitter. Criteria: ACMG Guidelines, 2015. Collection method: clinical testing. Allele origin: germline. Observed: 261 variant alleles.

Laboratory for Molecular Medicine, Mass General Brigham Personalized Medicine
Classification: Benign. Last evaluated: 2015-06-09. Review status: criteria provided, single submitter. Criteria: LMM Criteria. Collection method: clinical testing. Allele origin: germline. Observed: 2 variant alleles.
Comment: c.832_833ins68 in intron 9 of CBS: This variant is not expected to have clinical significance because it has been identified in 8% (632/8000) of African chromos omes, 3.5% (551/15982) of South Asian chromosomes, and 2.1% (1306/61690) of Euro pean chromosomes by the Exome Aggregation Consortium (ExAC).

Natera, Inc.
Classification: Benign for Homocystinuria due to cystathionine beta-synthase deficiency. Last evaluated: 2020-09-16. Review status: no assertion criteria provided. Collection method: clinical testing. Allele origin: germline. Not counted in ClinVar's aggregate classification.

OMIM
Classification: Benign for CBS POLYMORPHISM. Last evaluated: 1998-11-01. Review status: no assertion criteria provided. Collection method: literature only. Allele origin: germline. Not counted in ClinVar's aggregate classification.

Clinical Genetics, Academic Medical Center
Classification: Likely benign. Review status: no assertion criteria provided. Collection method: clinical testing. Allele origin: germline. Affected: yes. Study: VKGL Data-share Consensus. Not counted in ClinVar's aggregate classification.

Laboratory of Diagnostic Genome Analysis, Leiden University Medical Center (LUMC)
Classification: Likely benign. Review status: no assertion criteria provided. Collection method: clinical testing. Allele origin: germline. Affected: yes. Study: VKGL Data-share Consensus. Not counted in ClinVar's aggregate classification.

Literature cited by the submitters: PubMed 9813456 (cited by Laboratory for Molecular Medicine, Mass General Brigham Personalized Medicine and OMIM); PubMed 20601281 (cited by Laboratory for Molecular Medicine, Mass General Brigham Personalized Medicine); PubMed 7762555 (cited by Laboratory for Molecular Medicine, Mass General Brigham Personalized Medicine); PubMed 8940271 (cited by Laboratory for Molecular Medicine, Mass General Brigham Personalized Medicine and OMIM); PubMed 8940285 (cited by Laboratory for Molecular Medicine, Mass General Brigham Personalized Medicine and OMIM); PubMed 9361025 (cited by Laboratory for Molecular Medicine, Mass General Brigham Personalized Medicine and OMIM); PubMed 11204591 (cited by Laboratory for Molecular Medicine, Mass General Brigham Personalized Medicine); PubMed 10363126 (cited by Laboratory for Molecular Medicine, Mass General Brigham Personalized Medicine); PubMed 19906435 (cited by Laboratory for Molecular Medicine, Mass General Brigham Personalized Medicine); PubMed 22002135 (cited by Laboratory for Molecular Medicine, Mass General Brigham Personalized Medicine); Sebastio, G. Personal Communication. 1997. Padua, Italy (cited by OMIM).

NC_000021.9:g.43063107_43063108insCCCAGCAAAAGCCCCACCTGGATGATCCACCCCAGTGATCTGCAGAGGGCGCGGCTTCAGGGCTCAAG

Gene: CBS (cystathionine beta-synthase; minus strand). Cytogenetic location: 21q22.3.
Variant type: Insertion.
Genome position: GRCh38: chr21:43,063,107-43,063,108. GRCh37 (hg19): chr21:44,483,217-44,483,218.
Other names: p.Ile278Thrfs*16.
Identifiers: ClinVar variation 226482 (VCV000226482.37), ClinGen allele CA10577131.